The following is an entry in ClinVar:

NM_031483.7(ITCH):c.650G>A (p.Arg217Gln)

Gene: ITCH (itchy E3 ubiquitin protein ligase; plus strand). Cytogenetic location: 20q11.22.
Variant type: single nucleotide variant.
Coding change: c.650G>A on transcript NM_031483.7 (MANE Select); coding-DNA position 650, G replaced by A.
Protein change: p.Arg217Gln; replaces arginine 217 with glutamine.
Molecular consequence: missense variant.
Genome position (GRCh38, 1-based): chr20:34,438,602, G>A. VCF-style: chr20-34438602-G-A. GRCh37 (hg19) VCF-style: chr20-33026407-G-A.
Other names: c.773G>A, p.Arg258Gln (NM_001257137.3, NM_001324197.2); c.320G>A, p.Arg107Gln (NM_001257138.3); c.650G>A, p.Arg217Gln (NM_001324198.2); c.650G>A (NM_031483.4); short protein forms R217Q, R258Q, R107Q.
Identifiers: ClinVar variation 1357655 (VCV001357655.4), dbSNP rs1191416990, ClinGen allele CA408662760.

ClinVar aggregate classification (germline): Uncertain significance. Review status: criteria provided, multiple submitters, no conflicts (2 of 4 stars). 2 submissions from 2 submitters: Uncertain significance (2). Last evaluated 2025-08-06.

Conditions:
Inborn genetic diseases. Identifiers: MedGen C0950123, MeSH D030342.
Syndromic multisystem autoimmune disease due to ITCH deficiency. Also called: AUTOIMMUNE DISEASE, MULTISYSTEM, WITH FACIAL DYSMORPHISM. Identifiers: Orphanet 228426, MedGen C3150649, MONDO:0013245, OMIM 613385.

Allele frequency attached by ClinVar (database versions not stated): gnomAD exomes below 0.00001; gnomAD 0.00001; TOPMed 0.00002.
gnomAD v4.1: 10 of 1,613,686 alleles (0.00062%); highest among the groups gnomAD compares: Non-Finnish European, 0.00068%; no homozygotes.

Submissions (2):

Ambry Genetics
Classification: Uncertain significance for Inborn genetic diseases. Last evaluated: 2025-08-06. Review status: criteria provided, single submitter. Criteria: Ambry Variant Classification Scheme 2023. Collection method: clinical testing. Allele origin: germline.

Labcorp Genetics (formerly Invitae), Labcorp
Classification: Uncertain significance for Syndromic multisystem autoimmune disease due to ITCH deficiency. Last evaluated: 2021-10-20. Review status: criteria provided, single submitter. Criteria: Invitae Variant Classification Sherloc (09022015). Collection method: clinical testing. Allele origin: germline.
Comment: This sequence change replaces arginine with glutamine at codon 217 of the ITCH protein (p.Arg217Gln). The arginine residue is highly conserved and there is a small physicochemical difference between arginine and glutamine. This variant is not present in population databases (ExAC no frequency). This variant has not been reported in the literature in individuals with ITCH-related conditions. Algorithms developed to predict the effect of missense changes on protein structure and function are either unavailable or do not agree on the potential impact of this missense change (SIFT: "Not Available"; PolyPhen-2: "Probably Damaging"; Align-GVGD: "Not Available"). In summary, the available evidence is currently insufficient to determine the role of this variant in disease. Therefore, it has been classified as a Variant of Uncertain Significance.